The following is an entry in ClinVar:

ClinVar aggregate classification (germline): Conflicting classifications of pathogenicity. Review status: criteria provided, conflicting classifications (1 of 4 stars). 14 submissions from 10 submitters: Uncertain significance (3); Benign (2); Likely benign (7). 2 of the submissions do not count toward it. Last evaluated 2026-05-11.

Conditions:
Dilated cardiomyopathy 1G (CMD1G). Identifiers: Orphanet 154, MedGen C1858763, MONDO:0011400, OMIM 604145.
Autosomal recessive limb-girdle muscular dystrophy type 2J (LGMDR10). Also called: Limb-girdle muscular dystrophy, type 2J; MUSCULAR DYSTROPHY, LIMB-GIRDLE, AUTOSOMAL RECESSIVE 10. Identifiers: Orphanet 140922, MedGen C1837342, MONDO:0012127, OMIM 608807.
TTN-related disorder. Also called: TTN-related condition; TTN-related disease; TTN-related disorders.
Early-onset myopathy with fatal cardiomyopathy (CMYO5). Also called: CONGENITAL MYOPATHY 5 WITH CARDIOMYOPATHY; Salih Myopathy. Identifiers: Orphanet 289377, MedGen C2673677, MONDO:0012714, OMIM 611705. Disease mechanism: loss of function.
Tibial muscular dystrophy (TMD). Also called: Udd Distal Myopathy – Tibial Muscular Dystrophy; UDD MYOPATHY; Tibial muscular dystrophy, tardive. Identifiers: Orphanet 609, MedGen C1838244, MONDO:0010870, OMIM 600334.
Myopathy, myofibrillar, 9, with early respiratory failure (MFM9). Also called: Hereditary myopathy with early respiratory failure; EDSTROM MYOPATHY; MYOPATHY, PROXIMAL, WITH EARLY RESPIRATORY MUSCLE INVOLVEMENT; Myopathy, distal, with early respiratory failure, autosomal dominant. Identifiers: Orphanet 178464, Orphanet 34521, MedGen C1863599, MONDO:0011362, OMIM 603689.

Allele frequency attached by ClinVar (database versions not stated): gnomAD exomes 0.00011; TOPMed 0.00015; gnomAD 0.00003; ESP Exome Variant Server 0.00008; ExAC 0.00009.
gnomAD v4.1: 222 of 1,596,916 alleles (0.014%); highest among the groups gnomAD compares: Non-Finnish European, 0.018%; no homozygotes.

Submissions (14):

Women's Health and Genetics/Laboratory Corporation of America, LabCorp
Classification: Likely benign. Last evaluated: 2026-05-11. Review status: criteria provided, single submitter. Criteria: LabCorp Variant Classification Summary - May 2015. Collection method: clinical testing. Allele origin: germline.

Labcorp Genetics (formerly Invitae), Labcorp
Classification: Likely benign for Dilated cardiomyopathy 1G; Autosomal recessive limb-girdle muscular dystrophy type 2J. Last evaluated: 2026-01-18. Review status: criteria provided, single submitter. Criteria: Invitae Variant Classification Sherloc (09022015). Collection method: clinical testing. Allele origin: germline.

PreventionGenetics, part of Exact Sciences
Classification: Likely benign for TTN-related condition. Last evaluated: 2025-08-06. Review status: criteria provided, single submitter. Criteria: ACMG Guidelines, 2015. Collection method: clinical testing. Allele origin: germline.
Comment: This variant is classified as likely benign based on ACMG/AMP sequence variant interpretation guidelines (Richards et al. 2015 PMID: 25741868, with internal and published modifications).

Molecular Diagnostic Laboratory for Inherited Cardiovascular Disease, Montreal Heart Institute
Classification: Likely benign. Last evaluated: 2025-07-24. Review status: criteria provided, single submitter. Criteria: ACMG Guidelines, 2015. Collection method: clinical testing. Allele origin: germline. Affected: no.

Blueprint Genetics
Classification: Likely benign. Last evaluated: 2024-11-01. Review status: criteria provided, single submitter. Criteria: ACMG Guidelines, 2015. Collection method: clinical testing. Allele origin: germline.

Illumina Laboratory Services, Illumina
Classification: Benign for Tibial muscular dystrophy. Last evaluated: 2017-04-27. Review status: criteria provided, single submitter. Criteria: ICSL Variant Classification Criteria 13 December 2019. Collection method: clinical testing. Allele origin: germline.
Comment: This variant was observed as part of a predisposition screen in an ostensibly healthy population. A literature search was performed for the gene, cDNA change, and amino acid change (where applicable). No publications were found based on this search. Allele frequency data from public databases was too high to be consistent with this variant causing disease. Therefore, this variant is classified as benign.

Illumina Laboratory Services, Illumina
Classification: Uncertain significance for Autosomal recessive limb-girdle muscular dystrophy type 2J. Last evaluated: 2017-04-27. Review status: criteria provided, single submitter. Criteria: ICSL Variant Classification Criteria 13 December 2019. Collection method: clinical testing. Allele origin: germline.

Illumina Laboratory Services, Illumina
Classification: Uncertain significance for Early-onset myopathy with fatal cardiomyopathy. Last evaluated: 2017-04-27. Review status: criteria provided, single submitter. Criteria: ICSL Variant Classification Criteria 13 December 2019. Collection method: clinical testing. Allele origin: germline.

Illumina Laboratory Services, Illumina
Classification: Benign for Myopathy, myofibrillar, 9, with early respiratory failure. Last evaluated: 2017-04-27. Review status: criteria provided, single submitter. Criteria: ICSL Variant Classification Criteria 13 December 2019. Collection method: clinical testing. Allele origin: germline.
Comment: the same text as in the submission from Illumina Laboratory Services, Illumina above.

Illumina Laboratory Services, Illumina
Classification: Uncertain significance for Dilated cardiomyopathy 1G. Last evaluated: 2017-04-27. Review status: criteria provided, single submitter. Criteria: ICSL Variant Classification Criteria 13 December 2019. Collection method: clinical testing. Allele origin: germline.

GeneDx
Classification: Likely benign. Last evaluated: 2016-11-28. Review status: criteria provided, single submitter. Criteria: GeneDx Variant Classification (06012015). Collection method: clinical testing. Allele origin: germline. Affected: yes.
Comment: This variant is considered likely benign or benign based on one or more of the following criteria: it is a conservative change, it occurs at a poorly conserved position in the protein, it is predicted to be benign by multiple in silico algorithms, and/or has population frequency not consistent with disease.

Laboratory for Molecular Medicine, Mass General Brigham Personalized Medicine
Classification: Likely benign. Last evaluated: 2012-03-19. Review status: criteria provided, single submitter. Criteria: LMM Criteria. Collection method: clinical testing. Allele origin: germline. Observed: 1 variant allele.
Comment: c.18508+7A>C in intron 73 of TTN: This variant is not expected to have clinical significance because it is not located within the splice consensus sequence. It has been identified in 1/6568 European American chromosomes from a broad populat ion by the NHLBI Exome Sequencing Project.

Diagnostic Laboratory, Department of Genetics, University Medical Center Groningen
Classification: Likely benign. Review status: no assertion criteria provided. Collection method: clinical testing. Allele origin: germline. Affected: yes. Study: VKGL Data-share Consensus. Not counted in ClinVar's aggregate classification.

Joint Genome Diagnostic Labs from Nijmegen and Maastricht, Radboudumc and MUMC+
Classification: Likely benign. Review status: no assertion criteria provided. Collection method: clinical testing. Allele origin: germline. Affected: yes. Study: VKGL Data-share Consensus. Not counted in ClinVar's aggregate classification.

NM_001267550.2(TTN):c.22240+7A>C

Gene: TTN (titin; minus strand). Cytogenetic location: 2q31.2.
Variant type: single nucleotide variant.
Coding change: c.22240+7A>C on transcript NM_001267550.2 (MANE Select); 7 bases into the intron after coding-DNA position 22240, A replaced by C.
Molecular consequence: intron variant.
Genome position (GRCh38, 1-based): chr2:178,722,652, T>G on the plus strand (A>C on the coding strand, the complement: TTN is on the minus strand). VCF-style: chr2-178722652-T-G. GRCh37 (hg19) VCF-style: chr2-179587379-T-G.
Other names: c.13282+15430A>C (NM_003319.4); c.13858+15430A>C (NM_133437.4); c.13657+15430A>C (NM_133432.3); c.18508+7A>C (NM_133378.4); c.21289+7A>C (NM_001256850.1).
Identifiers: ClinVar variation 178240 (VCV000178240.28), dbSNP rs368101794, ClinGen allele CA181887.